The following is an entry in ClinVar:

NM_000051.4(ATM):c.995_996del (p.Tyr332fs)

Gene: ATM (ATM serine/threonine kinase; plus strand). Cytogenetic location: 11q22.3.
Variant type: Deletion.
Coding change: c.995_996del on transcript NM_000051.4 (MANE Select); coding-DNA positions 995 to 996, 2 bases deleted (AT; older notation c.995_996delAT).
Protein change: p.Tyr332fs; shifts the reading frame from tyrosine 332.
Molecular consequence: frameshift variant.
Genome position (GRCh38, 1-based): chr11:108,247,057-108,247,058, AT deleted; deleting any 2 consecutive bases within chr11:108,247,056-108,247,058 gives the same sequence; the c. name uses the placement nearest the transcript's 3' end. VCF-style (leftmost placement, unchanged base first): chr11-108247055-GTA-G. GRCh37 (hg19) VCF-style: chr11-108117782-GTA-G.
Other names: c.995_996del, p.Tyr332fs (NM_001351834.2); short protein forms Y332fs.
Identifiers: ClinVar variation 3148576 (VCV003148576.1), dbSNP rs2497181394, ClinGen allele CA2825001761.

ClinVar aggregate classification (germline): Pathogenic (1 of 4 stars; one submission).

Conditions:
Familial cancer of breast. Also called: BREAST CANCER, FAMILIAL; Hereditary breast cancer; hereditary breast carcinoma. Identifiers: Orphanet 227535, MedGen C0346153, MONDO:0016419, OMIM 114480. Disease mechanism: loss of function.

Submission:

Myriad Genetics, Inc.
Classification: Pathogenic for Familial cancer of breast. Last evaluated: 2024-01-11. Review status: criteria provided, single submitter. Criteria: Myriad Autosomal Dominant, Autosomal Recessive and X-Linked Classification Criteria (2023). Collection method: clinical testing. Allele origin: unknown.
Comment: This variant is considered pathogenic. This variant creates a frameshift predicted to result in premature protein truncation.